The following is an entry in ClinVar:

NM_001394998.1(TANC2):c.1834A>G (p.Ile612Val)

Gene: TANC2 (tetratricopeptide repeat, ankyrin repeat and coiled-coil containing 2; plus strand). Cytogenetic location: 17q23.3.
Variant type: single nucleotide variant.
Coding change: c.1834A>G on transcript NM_001394998.1 (MANE Select); coding-DNA position 1834, A replaced by G.
Protein change: p.Ile612Val; replaces isoleucine 612 with valine.
Molecular consequence: missense variant.
Genome position (GRCh38, 1-based): chr17:63,351,276, A>G. VCF-style: chr17-63351276-A-G. GRCh37 (hg19) VCF-style: chr17-61428637-A-G.
Other names: c.1612A>G (NM_025185.3); c.1612A>G, p.Ile538Val (NM_025185.4); short protein forms I538V, I612V.
Identifiers: ClinVar variation 1690507 (VCV001690507.4), dbSNP rs2046599417, ClinGen allele CA400521684.

ClinVar aggregate classification (germline): Uncertain significance. Review status: criteria provided, multiple submitters, no conflicts (2 of 4 stars). 3 submissions from 3 submitters: Uncertain significance (3). Last evaluated 2024-04-23.

Conditions:
Inborn genetic diseases. Identifiers: MedGen C0950123, MeSH D030342.

Allele frequency attached by ClinVar (database versions not stated): gnomAD exomes below 0.00001; gnomAD 0.00001; TOPMed 0.00001.
gnomAD v4.1: 4 of 1,607,218 alleles (0.00025%); highest among the groups gnomAD compares: South Asian, 0.0022%; no homozygotes.

Submissions (3):

Ambry Genetics
Classification: Uncertain significance for Inborn genetic diseases. Last evaluated: 2024-04-23. Review status: criteria provided, single submitter. Criteria: Ambry Variant Classification Scheme 2023. Collection method: clinical testing. Allele origin: germline.

GeneDx
Classification: Uncertain significance. Last evaluated: 2022-09-20. Review status: criteria provided, single submitter. Criteria: GeneDx Variant Classification Process June 2021. Collection method: clinical testing. Allele origin: germline. Affected: yes.
Comment: Not observed at significant frequency in large population cohorts (gnomAD); In silico analysis supports that this missense variant does not alter protein structure/function; Has not been previously published as pathogenic or benign to our knowledge

Laboratorio de Genetica e Diagnostico Molecular, Hospital Israelita Albert Einstein
Classification: Uncertain significance. Last evaluated: 2021-11-29. Review status: criteria provided, single submitter. Criteria: ACMG Guidelines, 2015. Collection method: clinical testing. Allele origin: germline. Affected: yes.
Comment: ACMG classification criteria: PM2, BP4